The following is an entry in ClinVar:

ClinVar aggregate classification (germline): Benign. Review status: criteria provided, multiple submitters, no conflicts (2 of 4 stars). 12 submissions from 11 submitters: Benign (9). 3 of the submissions do not count toward it. Last evaluated 2026-02-04.

Conditions:
Jeune thoracic dystrophy. Also called: Jeune syndrome; Infantile thoracic dystrophy; Thoracic pelvic phalangeal dystrophy; Jeune's syndrome; Chondroectodermal dysplasia-like syndrome; Short-rib thoracic dysplasia. Identifiers: Orphanet 474, MedGen C0265275, MONDO:0018770.
Nephronophthisis. Also called: Juvenile Nephronophthisis. Identifiers: Orphanet 655, MedGen C0687120, MONDO:0019005, HP:0000090.
Nephronophthisis 12 (NPHP12). Identifiers: Orphanet 655, MedGen C3151186, MONDO:0013442, OMIM 613820.
Asphyxiating thoracic dystrophy 4 (SRTD4). Also called: SHORT-RIB THORACIC DYSPLASIA 4 WITH OR WITHOUT POLYDACTYLY; SHORT-RIB THORACIC DYSPLASIA 4. Identifiers: Orphanet 474, MedGen C3151185, MONDO:0013441, OMIM 613819.

Allele frequency attached by ClinVar (database versions not stated): 1000 Genomes Project 30x 0.94316; ESP Exome Variant Server 0.94572; 1000 Genomes Project 0.94808; TOPMed 0.94835; gnomAD 0.95088 and 0.95419; ExAC 0.98526; gnomAD exomes 0.98833 and 0.99557.
gnomAD v4.1: 1,599,742 of 1,613,484 alleles (99%); highest among the groups gnomAD compares: East Asian, 100%; 793,953 homozygotes.

Submissions (12):

Labcorp Genetics (formerly Invitae), Labcorp
Classification: Benign for Jeune thoracic dystrophy; Nephronophthisis. Last evaluated: 2026-02-04. Review status: criteria provided, single submitter. Criteria: Invitae Variant Classification Sherloc (09022015). Collection method: clinical testing. Allele origin: germline.

Blueprint Genetics
Classification: Benign. Last evaluated: 2024-11-26. Review status: criteria provided, single submitter. Criteria: ACMG Guidelines, 2015. Collection method: clinical testing. Allele origin: germline.

Mayo Clinic Laboratories, Mayo Clinic
Classification: Benign. Last evaluated: 2022-03-09. Review status: criteria provided, single submitter. Criteria: ACMG Guidelines, 2015. Collection method: clinical testing. Allele origin: germline. Observed: 251 variant alleles.

Genome-Nilou Lab
Classification: Benign for Asphyxiating thoracic dystrophy 4. Last evaluated: 2021-09-10. Review status: criteria provided, single submitter. Criteria: ACMG Guidelines, 2015. Collection method: clinical testing. Allele origin: germline. Affected: no.

Illumina Laboratory Services, Illumina
Classification: Benign for Nephronophthisis 12. Last evaluated: 2018-01-13. Review status: criteria provided, single submitter. Criteria: ICSL Variant Classification Criteria 13 December 2019. Collection method: clinical testing. Allele origin: germline.
Comment: This variant was observed in the ICSL laboratory as part of a predisposition screen in an ostensibly healthy population. It had not been previously curated by ICSL or reported in the Human Gene Mutation Database (HGMD: prior to June 1st, 2018), and was therefore a candidate for classification through an automated scoring system. Utilizing variant allele frequency, disease prevalence and penetrance estimates, and inheritance mode, an automated score was calculated to assess if this variant is too frequent to cause the disease. Based on the score and internal cut-off values, a variant classified as benign is not then subjected to further curation. The score for this variant resulted in a classification of benign for this disease.

Illumina Laboratory Services, Illumina
Classification: Benign for Asphyxiating thoracic dystrophy 4. Last evaluated: 2018-01-13. Review status: criteria provided, single submitter. Criteria: ICSL Variant Classification Criteria 13 December 2019. Collection method: clinical testing. Allele origin: germline.
Comment: the same text as in the submission from Illumina Laboratory Services, Illumina above.

GeneDx
Classification: Benign. Last evaluated: 2016-01-08. Review status: criteria provided, single submitter. Criteria: GeneDx Variant Classification (06012015). Collection method: clinical testing. Allele origin: germline. Affected: yes.
Comment: This variant is considered likely benign or benign based on one or more of the following criteria: it is a conservative change, it occurs at a poorly conserved position in the protein, it is predicted to be benign by multiple in silico algorithms, and/or has population frequency not consistent with disease.

Breakthrough Genomics
Classification: Benign. Review status: criteria provided, single submitter. Criteria: ACMG Guidelines, 2015. Collection method: not provided. Allele origin: germline. Inheritance: Autosomal recessive inheritance. Affected: yes.

PreventionGenetics, part of Exact Sciences
Classification: Benign. Review status: criteria provided, single submitter. Criteria: ACMG Guidelines, 2015. Collection method: clinical testing. Allele origin: germline.

Clinical Genetics DNA and cytogenetics Diagnostics Lab, Erasmus MC, Erasmus Medical Center
Classification: Benign. Review status: no assertion criteria provided. Collection method: clinical testing. Allele origin: germline. Affected: yes. Study: VKGL Data-share Consensus. Not counted in ClinVar's aggregate classification.

Diagnostic Laboratory, Department of Genetics, University Medical Center Groningen
Classification: Benign. Review status: no assertion criteria provided. Collection method: clinical testing. Allele origin: germline. Affected: yes. Study: VKGL Data-share Consensus. Not counted in ClinVar's aggregate classification.

Genetic Services Laboratory, University of Chicago
Classification: Likely benign for AllHighlyPenetrant. Review status: no assertion criteria provided. Collection method: clinical testing. Allele origin: germline. Inheritance: Autosomal recessive inheritance. Not counted in ClinVar's aggregate classification.
Comment: Likely benign based on allele frequency in 1000 Genomes Project or ESP global frequency and its presence in a patient with a rare or unrelated disease phenotype. NOT Sanger confirmed.

NM_024753.5(TTC21B):c.826A>G (p.Thr276Ala)

Gene: TTC21B (tetratricopeptide repeat domain 21B; minus strand). Cytogenetic location: 2q24.3.
Variant type: single nucleotide variant.
Coding change: c.826A>G on transcript NM_024753.5 (MANE Select); coding-DNA position 826, A replaced by G.
Protein change: p.Thr276Ala; replaces threonine 276 with alanine.
Molecular consequence: missense variant.
Genome position (GRCh38, 1-based): chr2:165,931,826, T>C on the plus strand (A>G on the coding strand, the complement: TTC21B is on the minus strand). VCF-style: chr2-165931826-T-C. GRCh37 (hg19) VCF-style: chr2-166788336-T-C.
Other names: short protein forms T276A.
Identifiers: ClinVar variation 130660 (VCV000130660.29), dbSNP rs7592429, ClinGen allele CA155858.